The following is an entry in ClinVar:

NM_001330078.2(NRXN1):c.634G>T (p.Gly212Cys)

Gene: NRXN1 (neurexin 1; minus strand). Cytogenetic location: 2p16.3.
Variant type: single nucleotide variant.
Coding change: c.634G>T on transcript NM_001330078.2 (MANE Select); coding-DNA position 634, G replaced by T.
Protein change: p.Gly212Cys; replaces glycine 212 with cysteine.
Molecular consequence: missense variant.
Genome position (GRCh38, 1-based): chr2:51,027,640, C>A on the plus strand (G>T on the coding strand, the complement: NRXN1 is on the minus strand). VCF-style: chr2-51027640-C-A. GRCh37 (hg19) VCF-style: chr2-51254778-C-A.
Other names: c.634G>T, p.Gly212Cys (NM_001135659.3, NM_001330077.2, NM_001330079.2 and 15 more transcripts); short protein forms G212C.
Identifiers: ClinVar variation 3652658 (VCV003652658.2).
Genomic context (GRCh38, chr2:51,027,640, plus strand): 5'-CTCCGTTGAGGCACACCCCGCCCTCGCCCTCCTCGCCCGCCTCGCACGGGCTTCCCCCGC[C>A]GCTGTTGGGCGGCTCATCGTCCAGCTTCACCTCGCCGCTGTCCACGGGCAGGACCTGCGA-3'
Protein context (NP_001317007.1, residues 202-222): VKLDDEPPNS[Gly212Cys]GGSPCEAGEE

ClinVar aggregate classification (germline): Uncertain significance (1 of 4 stars; one submission).

Conditions:
Pitt-Hopkins-like syndrome 2 (PTHSL2). Identifiers: Orphanet 221150, Orphanet 600663, MedGen C3280479, MONDO:0013690, OMIM 614325.

Submission:

Labcorp Genetics (formerly Invitae), Labcorp
Classification: Uncertain significance for Pitt-Hopkins-like syndrome 2. Last evaluated: 2024-05-08. Review status: criteria provided, single submitter. Criteria: Invitae Variant Classification Sherloc (09022015). Collection method: clinical testing. Allele origin: germline.
Comment: This sequence change replaces glycine, which is neutral and non-polar, with cysteine, which is neutral and slightly polar, at codon 212 of the NRXN1 protein (p.Gly212Cys). This variant is not present in population databases (gnomAD no frequency). This variant has not been reported in the literature in individuals affected with NRXN1-related conditions. An algorithm developed to predict the effect of missense changes on protein structure and function (PolyPhen-2) suggests that this variant is likely to be tolerated. In summary, the available evidence is currently insufficient to determine the role of this variant in disease. Therefore, it has been classified as a Variant of Uncertain Significance.